The following is an entry in ClinVar:

ClinVar aggregate classification (germline): Uncertain significance (1 of 4 stars; one submission).

Allele frequency attached by ClinVar (database versions not stated): gnomAD exomes below 0.00001.
gnomAD v4.1: 2 of 1,614,144 alleles (0.00012%); highest among the groups gnomAD compares: Non-Finnish European, 0.00017%; no homozygotes.

Submission:

Labcorp Genetics (formerly Invitae), Labcorp
Classification: Uncertain significance. Last evaluated: 2023-10-13. Review status: criteria provided, single submitter. Criteria: Invitae Variant Classification Sherloc (09022015). Collection method: clinical testing. Allele origin: germline.
Comment: This sequence change replaces arginine, which is basic and polar, with tryptophan, which is neutral and slightly polar, at codon 417 of the SMARCA2 protein (p.Arg417Trp). This variant is not present in population databases (gnomAD no frequency). This variant has not been reported in the literature in individuals affected with SMARCA2-related conditions. ClinVar contains an entry for this variant (Variation ID: 1976821). Advanced modeling of protein sequence and biophysical properties (such as structural, functional, and spatial information, amino acid conservation, physicochemical variation, residue mobility, and thermodynamic stability) has been performed at Invitae for this missense variant, however the output from this modeling did not meet the statistical confidence thresholds required to predict the impact of this variant on SMARCA2 protein function. In summary, the available evidence is currently insufficient to determine the role of this variant in disease. Therefore, it has been classified as a Variant of Uncertain Significance.

NM_003070.5(SMARCA2):c.1249C>T (p.Arg417Trp)

Gene: SMARCA2 (SWI/SNF related BAF chromatin remodeling complex subunit ATPase 2; plus strand). Cytogenetic location: 9p24.3.
Variant type: single nucleotide variant.
Coding change: c.1249C>T on transcript NM_003070.5 (MANE Select); coding-DNA position 1249, C replaced by T.
Protein change: p.Arg417Trp; replaces arginine 417 with tryptophan.
Molecular consequence: missense variant.
Genome position (GRCh38, 1-based): chr9:2,056,747, C>T. VCF-style: chr9-2056747-C-T. GRCh37 (hg19) VCF-style: chr9-2056747-C-T.
Other names: c.1249C>T, p.Arg417Trp (NM_001289396.2, NM_001289397.2, NM_139045.4); short protein forms R417W.
Identifiers: ClinVar variation 1976821 (VCV001976821.5), dbSNP rs2537267330, ClinGen allele CA372781697.